The following is an entry in ClinVar:

NM_130839.5(UBE3A):c.2224C>T (p.Pro742Ser)

Genes: SNHG14 (small nucleolar RNA host gene 14; plus strand), UBE3A (ubiquitin protein ligase E3A; minus strand). Cytogenetic location: 15q11.2.
Variant type: single nucleotide variant.
Coding change: c.2224C>T on transcript NM_130839.5 (MANE Select); coding-DNA position 2224, C replaced by T.
Protein change: p.Pro742Ser; replaces proline 742 with serine.
Molecular consequence: missense variant. On other transcripts: non-coding transcript variant (1), intron variant (3).
Genome position (GRCh38, 1-based): chr15:25,354,584, G>A on the plus strand (C>T on the coding strand, the complement: UBE3A is on the minus strand). VCF-style: chr15-25354584-G-A. GRCh37 (hg19) VCF-style: chr15-25599731-G-A.
Other names: c.2164C>T, p.Pro722Ser (NM_001354544.2, NM_001374461.1, NM_130838.4 and 14 more transcripts); c.2047C>T, p.Pro683Ser (NM_001354546.2); c.1999C>T, p.Pro667Ser (NM_001354549.2); c.973C>T, p.Pro325Ser (NM_001354550.2); c.913C>T, p.Pro305Ser (NM_001354551.2); c.2065-158C>T (NM_001354548.2, NM_001354547.2); c.2125-158C>T (NM_001354545.2); c.2233C>T, p.Pro745Ser (NM_000462.5); and 1 more; short protein forms P683S, P305S, P742S, P722S, P325S, P667S, P745S.
Identifiers: ClinVar variation 1517990 (VCV001517990.6), dbSNP rs2152684043, ClinGen allele CA391351729.
Genomic context (GRCh38, chr15:25,354,584, plus strand): 5'-TTACCCGGCTTCCACATATAAGCAATTCAATTTCTTCTGGTCTGAATAAGTACTTTAAGG[G>A]AGATTCATTGGTCACCATATGAAAACCTCTCCGAAAAGCCTTGAACTGTTTTTCTACTGA-3'
Protein context (NP_570854.1, residues 732-752): RGFHMVTNES[Pro742Ser]LKYLFRPEEI

ClinVar aggregate classification (germline): Uncertain significance (1 of 4 stars; one submission).

Conditions:
Angelman syndrome (AS). Also called: HAPPY PUPPET SYNDROME. Identifiers: Orphanet 72, MedGen C0162635, MONDO:0007113, OMIM 105830. Disease mechanism: loss of function. Inheritance: AS is caused by disruption of maternally imprinted UBE3A located within the 15q11.2-q13 Angelman syndrome/Prader-Willi syndrome (AS/PWS) region., imprinting disorder.

Submission:

Labcorp Genetics (formerly Invitae), Labcorp
Classification: Uncertain significance for Angelman syndrome. Last evaluated: 2021-07-07. Review status: criteria provided, single submitter. Criteria: Invitae Variant Classification Sherloc (09022015). Collection method: clinical testing. Allele origin: germline.
Comment: This sequence change replaces proline with serine at codon 722 of the UBE3A protein (p.Pro722Ser). The proline residue is highly conserved and there is a moderate physicochemical difference between proline and serine. This variant is not present in population databases (ExAC no frequency). This variant has not been reported in the literature in individuals with UBE3A-related conditions. Algorithms developed to predict the effect of missense changes on protein structure and function are either unavailable or do not agree on the potential impact of this missense change (SIFT: "Not Available"; PolyPhen-2: "Possibly Damaging"; Align-GVGD: "Not Available"). In summary, the available evidence is currently insufficient to determine the role of this variant in disease. Therefore, it has been classified as a Variant of Uncertain Significance.